The following is an entry in ClinVar:

NM_015512.5(DNAH1):c.2170C>T (p.Pro724Ser)

Gene: DNAH1 (dynein axonemal heavy chain 1; plus strand). Cytogenetic location: 3p21.1.
Variant type: single nucleotide variant.
Coding change: c.2170C>T on transcript NM_015512.5 (MANE Select); coding-DNA position 2170, C replaced by T.
Protein change: p.Pro724Ser; replaces proline 724 with serine.
Molecular consequence: missense variant.
Genome position (GRCh38, 1-based): chr3:52,348,951, C>T. VCF-style: chr3-52348951-C-T. GRCh37 (hg19) VCF-style: chr3-52382967-C-T.
Other names: c.2170C>T (NM_015512.4); short protein forms P724S.
Identifiers: ClinVar variation 1026107 (VCV001026107.6), dbSNP rs762121402, ClinGen allele CA353098897.
Genomic context (GRCh38, chr3:52,348,951, plus strand): 5'-GTGATGGAGGACATCTTCATCAGCGGTGACCCCCTGCTGGAGTCCGTGGGCCTTCATGAG[C>T]CACTGGTGGAAGAGCTACGGGCCACCATTGCCAGTGCCGTGTCCAAGGCCATGATCCCAC-3'
Protein context (NP_056327.4, residues 714-734): PLLESVGLHE[Pro724Ser]LVEELRATIA

ClinVar aggregate classification (germline): Uncertain significance. Review status: criteria provided, multiple submitters, no conflicts (2 of 4 stars). 2 submissions from 2 submitters: Uncertain significance (2). Last evaluated 2024-06-02.

Conditions:
Spermatogenic failure 18. Identifiers: MedGen C4539783, MONDO:0054615, OMIM 617576.
Ciliary dyskinesia, primary, 37 (CILD37). Also called: CILIARY DYSKINESIA, PRIMARY, 37, WITH OR WITHOUT SITUS INVERSUS. Identifiers: MedGen C4539798, MONDO:0033204, OMIM 617577.

gnomAD v4.1: 2 of 1,613,498 alleles (0.00012%); highest among the groups gnomAD compares: Non-Finnish European, 0.00017%; no homozygotes.

Submissions (2):

Ambry Genetics
Classification: Uncertain significance. Last evaluated: 2024-06-02. Review status: criteria provided, single submitter. Criteria: Ambry Variant Classification Scheme 2023. Collection method: clinical testing. Allele origin: germline.

Labcorp Genetics (formerly Invitae), Labcorp
Classification: Uncertain significance for Ciliary dyskinesia, primary, 37; Spermatogenic failure 18. Last evaluated: 2020-10-19. Review status: criteria provided, single submitter. Criteria: Invitae Variant Classification Sherloc (09022015). Collection method: clinical testing. Allele origin: germline.
Comment: This sequence change replaces proline with serine at codon 724 of the DNAH1 protein (p.Pro724Ser). The proline residue is highly conserved and there is a moderate physicochemical difference between proline and serine. This variant is not present in population databases (ExAC no frequency). This variant has not been reported in the literature in individuals with DNAH1-related conditions. Algorithms developed to predict the effect of missense changes on protein structure and function are either unavailable or do not agree on the potential impact of this missense change (SIFT: "Deleterious"; PolyPhen-2: "Benign"; Align-GVGD: "Class C0"). In summary, the available evidence is currently insufficient to determine the role of this variant in disease. Therefore, it has been classified as a Variant of Uncertain Significance.